The following is an entry in ClinVar:

NM_001540.5(HSPB1):c.257C>T (p.Ser86Leu)

Gene: HSPB1 (heat shock protein family B (small) member 1; plus strand). Cytogenetic location: 7q11.23.
Variant type: single nucleotide variant.
Coding change: c.257C>T on transcript NM_001540.5 (MANE Select); coding-DNA position 257, C replaced by T.
Protein change: p.Ser86Leu; replaces serine 86 with leucine.
Molecular consequence: missense variant.
Genome position (GRCh38, 1-based): chr7:76,302,969, C>T. VCF-style: chr7-76302969-C-T. GRCh37 (hg19) VCF-style: chr7-75932286-C-T.
Other names: p.Ser86Leu; c.257C>T (LRG_248t1); short protein forms S86L.
Identifiers: ClinVar variation 465269 (VCV000465269.9), dbSNP rs749378020, ClinGen allele CA4306298.

ClinVar aggregate classification (germline): Uncertain significance. Review status: criteria provided, multiple submitters, no conflicts (2 of 4 stars). 2 submissions from 2 submitters: Uncertain significance (2). Last evaluated 2023-04-16.

Conditions:
Charcot-Marie-Tooth disease axonal type 2F (CMT2F). Also called: CHARCOT-MARIE-TOOTH DISEASE, NEURONAL, TYPE 2F; Charcot-Marie-Tooth Neuropathy Type 2F. Identifiers: Orphanet 99940, MedGen C1847823, MONDO:0011687, OMIM 606595.

Allele frequency attached by ClinVar (database versions not stated): ExAC 0.00007; gnomAD exomes below 0.00001 and 0.00001.

Submissions (2):

Labcorp Genetics (formerly Invitae), Labcorp
Classification: Uncertain significance for Charcot-Marie-Tooth disease axonal type 2F. Last evaluated: 2023-04-16. Review status: criteria provided, single submitter. Criteria: Invitae Variant Classification Sherloc (09022015). Collection method: clinical testing. Allele origin: germline.
Comment: In summary, the available evidence is currently insufficient to determine the role of this variant in disease. Therefore, it has been classified as a Variant of Uncertain Significance. Advanced modeling of protein sequence and biophysical properties (such as structural, functional, and spatial information, amino acid conservation, physicochemical variation, residue mobility, and thermodynamic stability) has been performed at Invitae for this missense variant, however the output from this modeling did not meet the statistical confidence thresholds required to predict the impact of this variant on HSPB1 protein function. ClinVar contains an entry for this variant (Variation ID: 465269). This missense change has been observed in individual(s) with distal hereditary motor neuropathy and/or amyotrophic lateral sclerosis (PMID: 26768280). It has also been observed to segregate with disease in related individuals. The frequency data for this variant in the population databases is considered unreliable, as metrics indicate poor data quality at this position in the gnomAD database. This sequence change replaces serine, which is neutral and polar, with leucine, which is neutral and non-polar, at codon 86 of the HSPB1 protein (p.Ser86Leu).

Mayo Clinic Laboratories, Mayo Clinic
Classification: Uncertain significance. Last evaluated: 2022-10-06. Review status: criteria provided, single submitter. Criteria: ACMG Guidelines, 2015. Collection method: clinical testing. Allele origin: germline. Observed: 1 variant allele.
Comment: PP3, PM2

Literature cited by the submitters: PubMed 26768280 (cited by Labcorp Genetics (formerly Invitae), Labcorp and Mayo Clinic Laboratories, Mayo Clinic); PubMed 28969372 (cited by Mayo Clinic Laboratories, Mayo Clinic).